The following is an entry in ClinVar:

NM_013336.4(SEC61A1):c.544T>C (p.Phe182Leu)

Gene: SEC61A1 (SEC61 translocon subunit alpha 1; plus strand). Cytogenetic location: 3q21.3.
Variant type: single nucleotide variant.
Coding change: c.544T>C on transcript NM_013336.4 (MANE Select); coding-DNA position 544, T replaced by C.
Protein change: p.Phe182Leu; replaces phenylalanine 182 with leucine.
Molecular consequence: missense variant.
Genome position (GRCh38, 1-based): chr3:128,060,589, T>C. VCF-style: chr3-128060589-T-C. GRCh37 (hg19) VCF-style: chr3-127779432-T-C.
Other names: c.562T>C, p.Phe188Leu (NM_001400328.1); c.385T>C, p.Phe129Leu (NM_001400329.1); short protein forms F182L, F129L, F188L.
Identifiers: ClinVar variation 4737179 (VCV004737179.1).

ClinVar aggregate classification (germline): Uncertain significance (1 of 4 stars; one submission).

Submission:

Labcorp Genetics (formerly Invitae), Labcorp
Classification: Uncertain significance. Last evaluated: 2025-03-18. Review status: criteria provided, single submitter. Criteria: Invitae Variant Classification Sherloc (09022015). Collection method: clinical testing. Allele origin: germline.
Comment: This sequence change replaces phenylalanine, which is neutral and non-polar, with leucine, which is neutral and non-polar, at codon 182 of the SEC61A1 protein (p.Phe182Leu). This variant is not present in population databases (gnomAD no frequency). This variant has not been reported in the literature in individuals affected with SEC61A1-related conditions. Invitae Evidence Modeling of protein sequence and biophysical properties (such as structural, functional, and spatial information, amino acid conservation, physicochemical variation, residue mobility, and thermodynamic stability) indicates that this missense variant is expected to disrupt SEC61A1 protein function with a positive predictive value of 80%. In summary, the available evidence is currently insufficient to determine the role of this variant in disease. Therefore, it has been classified as a Variant of Uncertain Significance.